The following is an entry in ClinVar:

ClinVar aggregate classification (germline): Uncertain significance (1 of 4 stars; one submission).

Conditions:
Autosomal recessive severe congenital neutropenia due to CSF3R deficiency. Also called: Neutropenia, severe congenital, 7, autosomal recessive. Identifiers: Orphanet 420702, MedGen C4310764, MONDO:0014865, OMIM 617014.

gnomAD v4.1: 7 of 1,614,064 alleles (0.00043%); highest among the groups gnomAD compares: Middle Eastern, 0.016%; no homozygotes.

Submission:

Labcorp Genetics (formerly Invitae), Labcorp
Classification: Uncertain significance for Autosomal recessive severe congenital neutropenia due to CSF3R deficiency. Last evaluated: 2024-05-22. Review status: criteria provided, single submitter. Criteria: Invitae Variant Classification Sherloc (09022015). Collection method: clinical testing. Allele origin: germline.
Comment: This sequence change replaces proline, which is neutral and non-polar, with alanine, which is neutral and non-polar, at codon 467 of the CSF3R protein (p.Pro467Ala). This variant is present in population databases (no rsID available, gnomAD 0.01%). This variant has not been reported in the literature in individuals affected with CSF3R-related conditions. ClinVar contains an entry for this variant (Variation ID: 1485542). Advanced modeling of protein sequence and biophysical properties (such as structural, functional, and spatial information, amino acid conservation, physicochemical variation, residue mobility, and thermodynamic stability) performed at Invitae indicates that this missense variant is not expected to disrupt CSF3R protein function with a negative predictive value of 80%. In summary, the available evidence is currently insufficient to determine the role of this variant in disease. Therefore, it has been classified as a Variant of Uncertain Significance.

NM_000760.4(CSF3R):c.1399C>G (p.Pro467Ala)

Gene: CSF3R (colony stimulating factor 3 receptor; minus strand). Cytogenetic location: 1p34.3.
Variant type: single nucleotide variant.
Coding change: c.1399C>G on transcript NM_000760.4 (MANE Select); coding-DNA position 1399, C replaced by G.
Protein change: p.Pro467Ala; replaces proline 467 with alanine.
Molecular consequence: missense variant.
Genome position (GRCh38, 1-based): chr1:36,469,727, G>C on the plus strand (C>G on the coding strand, the complement: CSF3R is on the minus strand). VCF-style: chr1-36469727-G-C. GRCh37 (hg19) VCF-style: chr1-36935328-G-C.
Other names: c.1399C>G, p.Pro467Ala (NM_156039.3, NM_172313.3); short protein forms P467A.
Identifiers: ClinVar variation 1485542 (VCV001485542.8), dbSNP rs538923210, ClinGen allele CA339419843.